The following is an entry in ClinVar:

ClinVar aggregate classification (germline): Uncertain significance (1 of 4 stars; one submission).

Conditions:
Focal segmental glomerulosclerosis 7 (FSGS7). Identifiers: Orphanet 656, MedGen C4014925, MONDO:0014451, OMIM 616002.

Submission:

MVZ Medizinische Genetik Mainz
Classification: Uncertain significance for Focal segmental glomerulosclerosis 7. Last evaluated: 2025-10-10. Review status: criteria provided, single submitter. Criteria: UK Practice Guidelines For Variant Classification V4 01 2020. Collection method: clinical testing. Allele origin: germline. Inheritance: Autosomal dominant inheritance. Affected: yes. Observed: 1 variant allele.
Comment: ACMG Criteria: PM1,PM2_SUP,PP2,PP3

NM_000278.5(PAX2):c.50A>G (p.His17Arg)

Gene: PAX2 (paired box 2; plus strand). Cytogenetic location: 10q24.31.
Variant type: single nucleotide variant.
Coding change: c.50A>G on transcript NM_000278.5 (MANE Select); coding-DNA position 50, A replaced by G.
Protein change: p.His17Arg; replaces histidine 17 with arginine.
Molecular consequence: missense variant.
Genome position (GRCh38, 1-based): chr10:100,749,752, A>G. VCF-style: chr10-100749752-A-G. GRCh37 (hg19) VCF-style: chr10-102509509-A-G.
Other names: c.143A>G, p.His48Arg (NM_001304569.2); c.50A>G, p.His17Arg (NM_003987.5, NM_003988.5, NM_003989.5 and 1 more transcripts); short protein forms H17R, H48R.
Identifiers: ClinVar variation 4526563 (VCV004526563.1).